The following is an entry in ClinVar:

ClinVar aggregate classification (germline): Uncertain significance (1 of 4 stars; one submission).

Submission:

Labcorp Genetics (formerly Invitae), Labcorp
Classification: Uncertain significance. Last evaluated: 2020-08-07. Review status: criteria provided, single submitter. Criteria: Invitae Variant Classification Sherloc (09022015). Collection method: clinical testing. Allele origin: germline.
Comment: This variant is an in-frame deletion of the genomic region encompassing exon(s) 20 of the TRPM1 gene. It preserves the integrity of the reading frame. This variant has not been reported in the literature in individuals with TRPM1-related conditions. Experimental studies and prediction algorithms are not available or were not evaluated, and the functional significance of this variant is currently unknown. In summary, the available evidence is currently insufficient to determine the role of this variant in disease. Therefore, it has been classified as a Variant of Uncertain Significance.

NC_000015.9:g.(?_31327749)_(31327877_?)del

Gene: TRPM1 (transient receptor potential cation channel subfamily M member 1; minus strand). Cytogenetic location: 15q13.3.
Variant type: Deletion.
Identifiers: ClinVar variation 1061031 (VCV001061031.4).